The following is an entry in ClinVar:

ClinVar aggregate classification (germline): Pathogenic (1 of 4 stars; one submission).

Conditions:
Marfan syndrome (MFS). Also called: FBN1-Related Marfan Syndrome; MARFAN SYNDROME, TYPE I; Marfan syndrome type 1; Marfan's syndrome; Marfan syndrome, classic. Identifiers: Orphanet 284963, Orphanet 558, MedGen C0024796, MONDO:0007947, OMIM 154700.
Familial thoracic aortic aneurysm and aortic dissection (TAAD). Also called: Thoracic aortic aneurysms and dissections. Identifiers: Orphanet 91387, MedGen C4707243, MONDO:0019625.

Submission:

Labcorp Genetics (formerly Invitae), Labcorp
Classification: Pathogenic for Marfan syndrome; Familial thoracic aortic aneurysm and aortic dissection. Last evaluated: 2022-09-14. Review status: criteria provided, single submitter. Criteria: Invitae Variant Classification Sherloc (09022015). Collection method: clinical testing. Allele origin: germline.
Comment: For these reasons, this variant has been classified as Pathogenic. ClinVar contains an entry for this variant (Variation ID: 963945). This variant has not been reported in the literature in individuals affected with FBN1-related conditions. This variant is not present in population databases (gnomAD no frequency). This sequence change creates a premature translational stop signal (p.Thr843Profs*4) in the FBN1 gene. It is expected to result in an absent or disrupted protein product. Loss-of-function variants in FBN1 are known to be pathogenic (PMID: 17657824, 19293843).

Literature cited by the submitters: PubMed 17657824; PubMed 19293843.

NM_000138.5(FBN1):c.2527del (p.Thr843fs)

Gene: FBN1 (fibrillin 1; minus strand). Cytogenetic location: 15q21.1.
Variant type: Deletion.
Coding change: c.2527del on transcript NM_000138.5 (MANE Select); coding-DNA position 2527, one base deleted (A; older notation c.2527delA).
Protein change: p.Thr843fs; shifts the reading frame from threonine 843.
Molecular consequence: frameshift variant.
Genome position (GRCh38, 1-based): chr15:48,495,481, T deleted on the plus strand (A on the coding strand, the reverse complement: FBN1 is on the minus strand); the first of 5 consecutive T bases (chr15:48,495,481-48,495,485); deleting any one gives the same sequence. VCF-style (leftmost placement, unchanged base first): chr15-48495480-GT-G. GRCh37 (hg19) VCF-style: chr15-48787677-GT-G.
Other names: short protein forms T843fs.
Identifiers: ClinVar variation 963945 (VCV000963945.7), dbSNP rs2043598968, ClinGen allele CA1139663912.